The following is an entry in ClinVar:

ClinVar aggregate classification (germline): Uncertain significance (1 of 4 stars; one submission).

Conditions:
Short-rib thoracic dysplasia 10 with or without polydactyly (SRTD10). Identifiers: Orphanet 474, MedGen C3810175, MONDO:0014284, OMIM 615630.
Retinitis pigmentosa 71 (RP71). Identifiers: Orphanet 791, MedGen C4225342, MONDO:0014618, OMIM 616394.

Submission:

Labcorp Genetics (formerly Invitae), Labcorp
Classification: Uncertain significance for Retinitis pigmentosa 71; Short-rib thoracic dysplasia 10 with or without polydactyly. Last evaluated: 2022-07-30. Review status: criteria provided, single submitter. Criteria: Invitae Variant Classification Sherloc (09022015). Collection method: clinical testing. Allele origin: germline.
Comment: In summary, the available evidence is currently insufficient to determine the role of this variant in disease. Therefore, it has been classified as a Variant of Uncertain Significance. This variant has not been reported in the literature in individuals affected with IFT172-related conditions. This variant is not present in population databases (gnomAD no frequency). This variant, c.2800_2811dup, results in the insertion of 4 amino acid(s) of the IFT172 protein (p.Leu934_Lys937dup), but otherwise preserves the integrity of the reading frame.

NM_015662.3(IFT172):c.2800_2811dup (p.Lys937_Gly938insLeuTyrThrLys)

Genes: IFT172 (intraflagellar transport 172; minus strand), LOC126806174 (CDK7 strongly-dependent group 2 enhancer GRCh37_chr2:27681686-27682885; plus strand). Cytogenetic location: 2p23.3.
Variant type: Duplication.
Coding change: c.2800_2811dup on transcript NM_015662.3 (MANE Select); coding-DNA positions 2800 to 2811, 12 bases duplicated (CTCTATACTAAG).
Protein change: p.Lys937_Gly938insLeuTyrThrLys.
Molecular consequence: inframe insertion. On other transcripts: inframe indel (1).
Genome position (GRCh38, 1-based): chr2:27,458,845-27,458,856, CTTAGTATAGAG duplicated on the plus strand (CTCTATACTAAG on the coding strand, the reverse complement: IFT172 is on the minus strand); duplicating any 12 consecutive bases within chr2:27,458,845-27,458,858 gives the same sequence; the c. name uses the placement nearest the transcript's 3' end. VCF-style (leftmost placement, unchanged base first): chr2-27458844-C-CCTTAGTATAGAG. GRCh37 (hg19) VCF-style: chr2-27681711-C-CCTTAGTATAGAG.
Other names: c.2732_2743dup, p.Lys915_Gly916insLeuTyrThrLys (NM_001410739.1).
Identifiers: ClinVar variation 2175526 (VCV002175526.4), dbSNP rs1666401929, ClinGen allele CA1240288849.